The following is an entry in ClinVar:

NM_001163278.2(TENM1):c.6575A>T (p.His2192Leu)

Gene: TENM1 (teneurin transmembrane protein 1; minus strand). Cytogenetic location: Xq25.
Variant type: single nucleotide variant.
Coding change: c.6575A>T on transcript NM_001163278.2 (MANE Select); coding-DNA position 6575, A replaced by T.
Protein change: p.His2192Leu; replaces histidine 2192 with leucine.
Molecular consequence: missense variant.
Genome position (GRCh38, 1-based): chrX:124,384,356, T>A on the plus strand (A>T on the coding strand, the complement: TENM1 is on the minus strand). VCF-style: chrX-124384356-T-A. GRCh37 (hg19) VCF-style: chrX-123518206-T-A.
Other names: c.6572A>T, p.His2191Leu (NM_001163279.1); c.6554A>T, p.His2185Leu (NM_014253.3); short protein forms H2185L, H2192L, H2191L.
Identifiers: ClinVar variation 788631 (VCV000788631.8), dbSNP rs144335593, ClinGen allele CA10509492.

ClinVar aggregate classification (germline): Likely benign. Review status: criteria provided, multiple submitters, no conflicts (2 of 4 stars). 3 submissions from 3 submitters: Likely benign (2). 1 of the submissions does not count toward it. Last evaluated 2019-12-31.

Conditions:
TENM1-related disorder. Also called: TENM1-related condition.

Allele frequency attached by ClinVar (database versions not stated): 1000 Genomes Project 0.00371; 1000 Genomes Project 30x 0.00395; gnomAD 0.00512; TOPMed 0.00573; gnomAD exomes 0.00580 and 0.00863; ExAC 0.00582; ESP Exome Variant Server 0.00701.
gnomAD v4.1: 10,076 of 1,209,438 alleles (0.83%); highest among the groups gnomAD compares: Non-Finnish European, 1%; 32 homozygotes.

Submissions (3):

Labcorp Genetics (formerly Invitae), Labcorp
Classification: Likely benign. Last evaluated: 2019-12-31. Review status: criteria provided, single submitter. Criteria: Invitae Variant Classification Sherloc (09022015). Collection method: clinical testing. Allele origin: germline.

Breakthrough Genomics
Classification: Likely benign. Review status: criteria provided, single submitter. Criteria: ACMG Guidelines, 2015. Collection method: not provided. Allele origin: germline. Inheritance: Unknown mechanism. Affected: yes.

PreventionGenetics, part of Exact Sciences
Classification: Likely benign for TENM1-related condition. Last evaluated: 2020-01-06. Review status: no assertion criteria provided. Collection method: clinical testing. Allele origin: germline. Not counted in ClinVar's aggregate classification.
Comment: This variant is classified as likely benign based on ACMG/AMP sequence variant interpretation guidelines (Richards et al. 2015 PMID: 25741868, with internal and published modifications).